The following is an entry in ClinVar:

NM_005592.4(MUSK):c.568T>C (p.Cys190Arg)

Gene: MUSK (muscle associated receptor tyrosine kinase; plus strand). Cytogenetic location: 9q31.3.
Variant type: single nucleotide variant.
Coding change: c.568T>C on transcript NM_005592.4 (MANE Select); coding-DNA position 568, T replaced by C.
Protein change: p.Cys190Arg; replaces cysteine 190 with arginine.
Molecular consequence: missense variant.
Genome position (GRCh38, 1-based): chr9:110,697,406, T>C. VCF-style: chr9-110697406-T-C. GRCh37 (hg19) VCF-style: chr9-113459686-T-C.
Other names: c.568T>C, p.Cys190Arg (NM_001166280.2, NM_001166281.2); c.568T>C (NM_005592.3); short protein forms C190R.
Identifiers: ClinVar variation 2193808 (VCV002193808.4), dbSNP rs1387603022, ClinGen allele CA374666553.

ClinVar aggregate classification (germline): Uncertain significance. Review status: criteria provided, multiple submitters, no conflicts (2 of 4 stars). 2 submissions from 2 submitters: Uncertain significance (2). Last evaluated 2022-02-17.

Conditions:
Fetal akinesia deformation sequence 1 (FADS1). Also called: Pena-Shokeir syndrome type I; Fetal akinesia sequence. Identifiers: Orphanet 994, MedGen C1276035, MONDO:0100101, OMIM 208150, HP:0001989.
Congenital myasthenic syndrome 9. Also called: Myasthenic syndrome, congenital, 9, associated with acetylcholine receptor deficiency. Identifiers: Orphanet 590, MedGen C4225368, MONDO:0014587, OMIM 616325.

Allele frequency attached by ClinVar (database versions not stated): TOPMed below 0.00001; gnomAD exomes 0.00001.
gnomAD v4.1: 14 of 1,612,726 alleles (0.00087%); highest among the groups gnomAD compares: Non-Finnish European, 0.0012%; no homozygotes.

Submissions (2):

Labcorp Genetics (formerly Invitae), Labcorp
Classification: Uncertain significance for Congenital myasthenic syndrome 9; Fetal akinesia deformation sequence 1. Last evaluated: 2022-02-17. Review status: criteria provided, single submitter. Criteria: Invitae Variant Classification Sherloc (09022015). Collection method: clinical testing. Allele origin: germline.
Comment: This sequence change replaces cysteine, which is neutral and slightly polar, with arginine, which is basic and polar, at codon 190 of the MUSK protein (p.Cys190Arg). This variant is not present in population databases (gnomAD no frequency). This variant has not been reported in the literature in individuals affected with MUSK-related conditions. Advanced modeling of protein sequence and biophysical properties (such as structural, functional, and spatial information, amino acid conservation, physicochemical variation, residue mobility, and thermodynamic stability) performed at Invitae indicates that this missense variant is expected to disrupt MUSK protein function. In summary, the available evidence is currently insufficient to determine the role of this variant in disease. Therefore, it has been classified as a Variant of Uncertain Significance.

Revvity Omics, Revvity
Classification: Uncertain significance. Last evaluated: 2019-08-17. Review status: criteria provided, single submitter. Criteria: ACMG Guidelines, 2015. Collection method: clinical testing. Allele origin: germline.